The following is an entry in ClinVar:

NR_001566.3(TERC):n.203C>T

Genes: TERC (telomerase RNA component; minus strand), LOC110806306 (telomerase RNA component (TERC) promoter; plus strand). Cytogenetic location: 3q26.2.
Variant type: single nucleotide variant.
Molecular consequence: non-coding transcript variant (on NR_001566.3).
Genome position: GRCh38 VCF-style: chr3-169764858-G-A. GRCh37 (hg19) VCF-style: chr3-169482646-G-A.
Identifiers: ClinVar variation 4728527 (VCV004728527.1).

ClinVar aggregate classification (germline): Uncertain significance (1 of 4 stars; one submission).

Conditions:
Dyskeratosis congenita, autosomal dominant 1 (DKCA1). Also called: Dyskeratosis congenita Scoggins type. Identifiers: Orphanet 1775, MedGen C4551974, MONDO:0007485, OMIM 127550. Inheritance: Variable.

Submission:

Labcorp Genetics (formerly Invitae), Labcorp
Classification: Uncertain significance for Dyskeratosis congenita, autosomal dominant 1. Last evaluated: 2026-01-17. Review status: criteria provided, single submitter. Criteria: Invitae Variant Classification Sherloc (09022015). Collection method: clinical testing. Allele origin: germline.
Comment: This variant occurs in the TERC gene, which encodes an RNA molecule that does not result in a protein product. This variant is not present in population databases (gnomAD no frequency). This variant has not been reported in the literature in individuals affected with TERC-related conditions. Experimental studies and prediction algorithms are not available or were not evaluated, and the functional significance of this variant is currently unknown. This variant is located within the hypervariable region that is not conserved in the TERC RNA component (PMID: 10721988, 21844345). The functional significance of this region is not well understood. In summary, the available evidence is currently insufficient to determine the role of this variant in disease. Therefore, it has been classified as a Variant of Uncertain Significance.

Literature cited by the submitters: PubMed 10721988; PubMed 21844345.